The following is an entry in ClinVar:

NC_000010.10:g.(?_67862895)_(67863027_?)del

Gene: CTNNA3 (catenin alpha 3; minus strand). Cytogenetic location: 10q21.3.
Variant type: Deletion.
Identifiers: ClinVar variation 1444387 (VCV001444387.5).

ClinVar aggregate classification (germline): Uncertain significance (1 of 4 stars; one submission).

Conditions:
Arrhythmogenic right ventricular dysplasia 13. Also called: Arrhythmogenic right ventricular dysplasia, familial, 13; ARRHYTHMOGENIC RIGHT VENTRICULAR CARDIOMYOPATHY 13. Identifiers: MedGen C3810138, MONDO:0000908, OMIM 615616.

Submission:

Labcorp Genetics (formerly Invitae), Labcorp
Classification: Uncertain significance for Arrhythmogenic right ventricular dysplasia 13. Last evaluated: 2022-04-24. Review status: criteria provided, single submitter. Criteria: Invitae Variant Classification Sherloc (09022015). Collection method: clinical testing. Allele origin: germline.
Comment: Experimental studies and prediction algorithms are not available or were not evaluated, and the functional significance of this variant is currently unknown. In summary, the available evidence is currently insufficient to determine the role of this variant in disease. Therefore, it has been classified as a Variant of Uncertain Significance. This variant has not been reported in the literature in individuals affected with CTNNA3-related conditions. This variant is a gross deletion of the genomic region encompassing exon(s) 14 of the CTNNA3 gene. This variant would be expected to be in-frame, preserving the integrity of the reading frame.